The following is an entry in ClinVar:

ClinVar aggregate classification (germline): Uncertain significance. Review status: criteria provided, multiple submitters, no conflicts (2 of 4 stars). 2 submissions from 2 submitters: Uncertain significance (2). Last evaluated 2019-09-26.

Conditions:
Inborn genetic diseases. Identifiers: MedGen C0950123, MeSH D030342.
Spastic paraplegia. Identifiers: MedGen C0037772, HP:0001258.

Submissions (2):

Ambry Genetics
Classification: Uncertain significance for Inborn genetic diseases. Last evaluated: 2019-09-26. Review status: criteria provided, single submitter. Criteria: Ambry exome assertion method (8-5-2015). Collection method: clinical testing. Allele origin: germline. Affected: yes. Observed: 1 variant allele.

Labcorp Genetics (formerly Invitae), Labcorp
Classification: Uncertain significance for Spastic paraplegia. Last evaluated: 2019-08-01. Review status: criteria provided, single submitter. Criteria: Invitae Variant Classification Sherloc (09022015). Collection method: clinical testing. Allele origin: germline.
Comment: This variant has not been reported in the literature in individuals with SLC16A2-related conditions. In summary, the available evidence is currently insufficient to determine the role of this variant in disease. Therefore, it has been classified as a Variant of Uncertain Significance. Algorithms developed to predict the effect of missense changes on protein structure and function are either unavailable or do not agree on the potential impact of this missense change (SIFT: "Deleterious"; PolyPhen-2: "Probably Damaging"; Align-GVGD: "Class C0"). This variant is not present in population databases (ExAC no frequency). This sequence change replaces glycine with aspartic acid at codon 206 of the SLC16A2 protein (p.Gly206Asp). The glycine residue is highly conserved and there is a moderate physicochemical difference between glycine and aspartic acid.

Literature cited by the submitters: PubMed 21835051 (cited by Ambry Genetics); PubMed 27805744 (cited by Ambry Genetics).

NM_006517.5(SLC16A2):c.617G>A (p.Gly206Asp)

Gene: SLC16A2 (solute carrier family 16 member 2; plus strand). Cytogenetic location: Xq13.2.
Variant type: single nucleotide variant.
Coding change: c.617G>A on transcript NM_006517.5 (MANE Select); coding-DNA position 617, G replaced by A.
Protein change: p.Gly206Asp; replaces glycine 206 with aspartic acid.
Molecular consequence: missense variant.
Genome position (GRCh38, 1-based): chrX:74,524,400, G>A. VCF-style: chrX-74524400-G-A. GRCh37 (hg19) VCF-style: chrX-73744235-G-A.
Other names: short protein forms G206D.
Identifiers: ClinVar variation 953731 (VCV000953731.12), dbSNP rs1930456883, ClinGen allele CA413656919.